The following is an entry in ClinVar:

ClinVar aggregate classification (germline): Uncertain significance. Review status: criteria provided, multiple submitters, no conflicts (2 of 4 stars). 2 submissions from 2 submitters: Uncertain significance (2). Last evaluated 2022-09-11.

Allele frequency attached by ClinVar (database versions not stated): gnomAD exomes 0.00001; gnomAD 0.00002; TOPMed 0.00002; ExAC 0.00003.
gnomAD v4.1: 12 of 1,614,062 alleles (0.00074%); highest among the groups gnomAD compares: African/African-American, 0.0013%; no homozygotes.

Submissions (2):

Labcorp Genetics (formerly Invitae), Labcorp
Classification: Uncertain significance. Last evaluated: 2022-09-11. Review status: criteria provided, single submitter. Criteria: Invitae Variant Classification Sherloc (09022015). Collection method: clinical testing. Allele origin: germline.
Comment: In summary, the available evidence is currently insufficient to determine the role of this variant in disease. Therefore, it has been classified as a Variant of Uncertain Significance. Algorithms developed to predict the effect of sequence changes on RNA splicing suggest that this variant may disrupt the consensus splice site. Advanced modeling of protein sequence and biophysical properties (such as structural, functional, and spatial information, amino acid conservation, physicochemical variation, residue mobility, and thermodynamic stability) performed at Invitae indicates that this missense variant is not expected to disrupt SEMA4A protein function. This variant has not been reported in the literature in individuals affected with SEMA4A-related conditions. This variant is present in population databases (rs750520474, gnomAD 0.004%). This sequence change replaces arginine, which is basic and polar, with cysteine, which is neutral and slightly polar, at codon 363 of the SEMA4A protein (p.Arg363Cys).

Blueprint Genetics
Classification: Uncertain significance. Last evaluated: 2018-06-29. Review status: criteria provided, single submitter. Criteria: ACMG Guidelines, 2015. Collection method: clinical testing. Allele origin: germline.

NM_022367.4(SEMA4A):c.1087C>T (p.Arg363Cys)

Gene: SEMA4A (semaphorin 4A; plus strand). Cytogenetic location: 1q22.
Variant type: single nucleotide variant.
Coding change: c.1087C>T on transcript NM_022367.4 (MANE Select); coding-DNA position 1087, C replaced by T.
Protein change: p.Arg363Cys; replaces arginine 363 with cysteine.
Molecular consequence: missense variant.
Genome position (GRCh38, 1-based): chr1:156,163,047, C>T. VCF-style: chr1-156163047-C-T. GRCh37 (hg19) VCF-style: chr1-156132838-C-T.
Other names: c.1087C>T, p.Arg363Cys (NM_001193300.2, NM_001193301.2, NM_001370567.1); c.691C>T, p.Arg231Cys (NM_001193302.2); c.790C>T, p.Arg264Cys (NM_001370568.1); c.580C>T, p.Arg194Cys (NM_001370569.1, NM_001370571.1); short protein forms R194C, R231C, R264C, R363C.
Identifiers: ClinVar variation 1932779 (VCV001932779.6), dbSNP rs750520474, ClinGen allele CA1155265.